The following is an entry in ClinVar:

NM_003981.4(PRC1):c.1462-1016G>A

Genes: PRC1 (protein regulator of cytokinesis 1; minus strand), PRC1-AS1 (PRC1 antisense RNA 1; plus strand). Cytogenetic location: 15q26.1.
Variant type: single nucleotide variant.
Coding change: c.1462-1016G>A on transcript NM_003981.4 (MANE Select); 1016 bases into the intron before coding-DNA position 1462, G replaced by A.
Molecular consequence: intron variant.
Genome position (GRCh38, 1-based): chr15:90,971,530, C>T on the plus strand (G>A on the coding strand, the complement: PRC1 is on the minus strand). VCF-style: chr15-90971530-C-T. GRCh37 (hg19) VCF-style: chr15-91514760-C-T.
Other names: c.1339-1016G>A (NM_001267580.2); c.1462-1016G>A (NM_199413.3).
Identifiers: ClinVar variation 157642 (VCV000157642.3), dbSNP rs11852999, ClinGen allele CA186115.

ClinVar aggregate classification (germline): association (0 of 4 stars; one submission).

Conditions:
Breast carcinoma. Also called: Carcinoma of breast. Identifiers: MedGen C0678222, MONDO:0004989, HP:0003002.

Allele frequency attached by ClinVar (database versions not stated): gnomAD 0.10280 and 0.11121; TOPMed 0.12409; 1000 Genomes Project 30x 0.19566; 1000 Genomes Project 0.20467.
gnomAD v4.1: 16,861 of 151,794 alleles (11%); highest among the groups gnomAD compares: East Asian, 47%; 1,552 homozygotes.

Submission:

Research Lab, National Institute of Public Health
Classification: association for breast carcinoma. Last evaluated: 2014-02-01. Review status: no assertion criteria provided. Collection method: research. Allele origin: inherited. Affected: yes. Observed: 17 variant alleles. Clinical features observed: expression of estrogen receptor, triple-negative molecular subtype. Study: Role of PRC1 genetic variability in breast cancer.
Comment: association with gene transcript level in tumor tissue